The following is an entry in ClinVar:

ClinVar aggregate classification (germline): Likely pathogenic. Review status: criteria provided, single submitter (1 of 4 stars). 2 submissions from 2 submitters: Likely pathogenic (1). 1 of the submissions does not count toward it. Last evaluated 2023-11-13.

Conditions:
Primary hyperoxaluria type 3. Also called: PH III. Identifiers: Orphanet 416, Orphanet 93600, MedGen C3150878, MONDO:0013327, OMIM 613616. Disease mechanism: loss of function.

Allele frequency attached by ClinVar (database versions not stated): gnomAD 0.00001; gnomAD exomes 0.00001; TOPMed 0.00001.
gnomAD v4.1: 15 of 1,613,954 alleles (0.00093%); highest among the groups gnomAD compares: Non-Finnish European, 0.0012%; no homozygotes.

Submissions (2):

Labcorp Genetics (formerly Invitae), Labcorp
Classification: Likely pathogenic. Last evaluated: 2023-11-13. Review status: criteria provided, single submitter. Criteria: Invitae Variant Classification Sherloc (09022015). Collection method: clinical testing. Allele origin: germline.
Comment: This sequence change replaces proline, which is neutral and non-polar, with alanine, which is neutral and non-polar, at codon 45 of the HOGA1 protein (p.Pro45Ala). This variant is not present in population databases (gnomAD no frequency). This variant has not been reported in the literature in individuals affected with HOGA1-related conditions. ClinVar contains an entry for this variant (Variation ID: 989900). Advanced modeling of protein sequence and biophysical properties (such as structural, functional, and spatial information, amino acid conservation, physicochemical variation, residue mobility, and thermodynamic stability) performed at Invitae indicates that this missense variant is expected to disrupt HOGA1 protein function with a positive predictive value of 95%. This variant disrupts the p.Pro45 amino acid residue in HOGA1. Other variant(s) that disrupt this residue have been determined to be pathogenic (PMID: 26342005; Invitae). This suggests that this residue is clinically significant, and that variants that disrupt this residue are likely to be disease-causing. In summary, the currently available evidence indicates that the variant is pathogenic, but additional data are needed to prove that conclusively. Therefore, this variant has been classified as Likely Pathogenic.

Natera, Inc.
Classification: Uncertain significance for Primary hyperoxaluria type III. Last evaluated: 2020-04-11. Review status: no assertion criteria provided. Collection method: clinical testing. Allele origin: germline. Not counted in ClinVar's aggregate classification.

Literature cited by the submitters: PubMed 26342005 (cited by Labcorp Genetics (formerly Invitae), Labcorp).

NM_138413.4(HOGA1):c.133C>G (p.Pro45Ala)

Gene: HOGA1 (4-hydroxy-2-oxoglutarate aldolase 1; plus strand). Cytogenetic location: 10q24.2.
Variant type: single nucleotide variant.
Coding change: c.133C>G on transcript NM_138413.4 (MANE Select); coding-DNA position 133, C replaced by G.
Protein change: p.Pro45Ala; replaces proline 45 with alanine.
Molecular consequence: missense variant.
Genome position (GRCh38, 1-based): chr10:97,584,836, C>G. VCF-style: chr10-97584836-C-G. GRCh37 (hg19) VCF-style: chr10-99344593-C-G.
Other names: c.133C>G, p.Pro45Ala (NM_001134670.2); short protein forms P45A.
Identifiers: ClinVar variation 989900 (VCV000989900.4), dbSNP rs1380918472, ClinGen allele CA377967319.